The following is an entry in ClinVar:

NM_001379110.1(SLC9A6):c.1588C>A (p.Pro530Thr)

Gene: SLC9A6 (solute carrier family 9 member A6; plus strand). Cytogenetic location: Xq26.3.
Variant type: single nucleotide variant.
Coding change: c.1588C>A on transcript NM_001379110.1 (MANE Select); coding-DNA position 1588, C replaced by A.
Protein change: p.Pro530Thr; replaces proline 530 with threonine.
Molecular consequence: missense variant.
Genome position (GRCh38, 1-based): chrX:136,033,420, C>A. VCF-style: chrX-136033420-C-A. GRCh37 (hg19) VCF-style: chrX-135115579-C-A.
Other names: p.P520T:CCT>ACT; c.1654C>A, p.Pro552Thr (NM_001042537.2); c.1498C>A, p.Pro500Thr (NM_001177651.2); c.1402C>A, p.Pro468Thr (NM_001330652.2); c.1558C>A, p.Pro520Thr (NM_006359.3); short protein forms P520T, P552T, P468T, P500T, P530T.
Identifiers: ClinVar variation 207253 (VCV000207253.11), dbSNP rs782145804, ClinGen allele CA318547.

ClinVar aggregate classification (germline): Uncertain significance. Review status: criteria provided, multiple submitters, no conflicts (2 of 4 stars). 2 submissions from 2 submitters: Uncertain significance (2). Last evaluated 2024-05-23.

Conditions:
Christianson syndrome (MRXSCH). Also called: SLC9A6-Related Syndromic Mental Retardation; INTELLECTUAL DEVELOPMENTAL DISORDER, X-LINKED, SYNDROMIC, CHRISTIANSON TYPE; X-linked mental retardation, syndromic, Christianson type. Identifiers: Orphanet 85278, MedGen C2678194, MONDO:0010278, OMIM 300243.

Allele frequency attached by ClinVar (database versions not stated): TOPMed below 0.00001; gnomAD exomes 0.00001.
gnomAD v4.1: 11 of 1,163,858 alleles (0.00095%); highest among the groups gnomAD compares: Middle Eastern, 0.05%; no homozygotes.

Submissions (2):

Labcorp Genetics (formerly Invitae), Labcorp
Classification: Uncertain significance for Christianson syndrome. Last evaluated: 2024-05-23. Review status: criteria provided, single submitter. Criteria: Invitae Variant Classification Sherloc (09022015). Collection method: clinical testing. Allele origin: germline.
Comment: This sequence change replaces proline, which is neutral and non-polar, with threonine, which is neutral and polar, at codon 520 of the SLC9A6 protein (p.Pro520Thr). This variant is present in population databases (rs782145804, gnomAD 0.008%), including at least one homozygous and/or hemizygous individual. This variant has not been reported in the literature in individuals affected with SLC9A6-related conditions. ClinVar contains an entry for this variant (Variation ID: 207253). Advanced modeling of protein sequence and biophysical properties (such as structural, functional, and spatial information, amino acid conservation, physicochemical variation, residue mobility, and thermodynamic stability) performed at Invitae indicates that this missense variant is not expected to disrupt SLC9A6 protein function with a negative predictive value of 80%. In summary, the available evidence is currently insufficient to determine the role of this variant in disease. Therefore, it has been classified as a Variant of Uncertain Significance.

GeneDx
Classification: Uncertain significance. Last evaluated: 2014-07-31. Review status: criteria provided, single submitter. Criteria: GeneDx Variant Classification (06012015). Collection method: clinical testing. Allele origin: germline. Affected: yes.
Comment: p.Pro520Thr (CCT>ACT): c.1558 C>A in exon 14 of the SLC9A6 gene (NM_006359.2) A variant of unknown significance has been identified in the SLC9A6 gene. The P520T variant has not been published as a mutation, nor has it been reported as a benign polymorphism to our knowledge. It was not observed in approximately 6,500 individuals of European and African American ancestry in the NHLBI Exome Sequencing Project, indicating it is not a common benign variant in these populations. The P520T variant is a non-conservative amino acid substitution, which is likely to impact secondary protein structure as these residues differ in polarity, charge, size and/or other properties. This substitution occurs at a position that is conserved in mammals. However, missense mutations in nearby residues have not been reported in association with SLC9A6-related disorders. In silico analysis is inconsistent in its predictions as to whether or not the variant is damaging to the protein structure/function. Therefore, based on the currently available information, it is unclear whether this variant is a pathogenic mutation or a rare benign variant. The variant is found in INFANT-EPI panel(s).